The following is an entry in ClinVar:

ClinVar aggregate classification (germline): Benign (1 of 4 stars; one submission).

Conditions:
Fleck corneal dystrophy (CFD). Also called: CORNEAL DYSTROPHY, FRANCOIS-NEETENS SPECKLED OR FLECKED. Identifiers: Orphanet 98970, MedGen C1562113, MONDO:0007376, OMIM 121850.

Allele frequency attached by ClinVar (database versions not stated): 1000 Genomes Project 30x 0.00031; 1000 Genomes Project 0.00040; TOPMed 0.00115; gnomAD 0.00123 and 0.00126.

Submission:

Illumina Laboratory Services, Illumina
Classification: Benign for Fleck corneal dystrophy. Last evaluated: 2018-01-13. Review status: criteria provided, single submitter. Criteria: ICSL Variant Classification Criteria 13 December 2019. Collection method: clinical testing. Allele origin: germline.
Comment: This variant was observed in the ICSL laboratory as part of a predisposition screen in an ostensibly healthy population. It had not been previously curated by ICSL or reported in the Human Gene Mutation Database (HGMD: prior to June 1st, 2018), and was therefore a candidate for classification through an automated scoring system. Utilizing variant allele frequency, disease prevalence and penetrance estimates, and inheritance mode, an automated score was calculated to assess if this variant is too frequent to cause the disease. Based on the score and internal cut-off values, a variant classified as benign is not then subjected to further curation. The score for this variant resulted in a classification of benign for this disease.

NM_015040.4(PIKFYVE):c.*2693A>G

Gene: PIKFYVE (phosphoinositide kinase, FYVE-type zinc finger containing; plus strand). Cytogenetic location: 2q34.
Variant type: single nucleotide variant.
Coding change: c.*2693A>G on transcript NM_015040.4 (MANE Select); 2693 bases downstream of the stop codon, A replaced by G.
Molecular consequence: 3 prime UTR variant.
Genome position (GRCh38, 1-based): chr2:208,357,998, A>G. VCF-style: chr2-208357998-A-G. GRCh37 (hg19) VCF-style: chr2-209222722-A-G.
Identifiers: ClinVar variation 333975 (VCV000333975.5), dbSNP rs564043919, ClinGen allele CA10614111.
Genomic context (GRCh38, chr2:208,357,998, plus strand): 5'-TTGATGCCATCAAAACTTATTAAAAAATAGGATTTACTTTTTTCTAATTCTGACCTAAGA[A>G]AAATAATGAGAACAAGCTGTTGCAAGCTCTTTTGTAGTCTATTGAATATTTTATAGATAT-3'